The following is an entry in ClinVar:

ClinVar aggregate classification (germline): Uncertain significance. Review status: criteria provided, multiple submitters, no conflicts (2 of 4 stars). 2 submissions from 2 submitters: Uncertain significance (2). Last evaluated 2025-04-24.

Conditions:
Mosaic variegated aneuploidy syndrome 1 (MVA1). Also called: Warburton-Anyane-Yeboa syndrome. Identifiers: Orphanet 1052, MedGen C1850343, MONDO:0009759, OMIM 257300.

Allele frequency attached by ClinVar (database versions not stated): ExAC 0.00001; gnomAD exomes 0.00001 and 0.00003; TOPMed 0.00002; gnomAD 0.00004; ESP Exome Variant Server 0.00008.
gnomAD v4.1: 45 of 1,614,066 alleles (0.0028%); highest among the groups gnomAD compares: Non-Finnish European, 0.0036%; no homozygotes.

Submissions (2):

Molecular Pathology, Peter Maccallum Cancer Centre
Classification: Uncertain significance for Mosaic variegated aneuploidy syndrome 1. Last evaluated: 2025-04-24. Review status: criteria provided, single submitter. Criteria: ACMG Guidelines, 2015. Collection method: clinical testing. Allele origin: germline. Inheritance: Autosomal recessive inheritance.

Labcorp Genetics (formerly Invitae), Labcorp
Classification: Uncertain significance for Mosaic variegated aneuploidy syndrome 1. Last evaluated: 2025-04-13. Review status: criteria provided, single submitter. Criteria: Invitae Variant Classification Sherloc (09022015). Collection method: clinical testing. Allele origin: germline.
Comment: This sequence change replaces threonine, which is neutral and polar, with isoleucine, which is neutral and non-polar, at codon 658 of the BUB1B protein (p.Thr658Ile). This variant is present in population databases (rs373789523, gnomAD 0.002%). This variant has not been reported in the literature in individuals affected with BUB1B-related conditions. ClinVar contains an entry for this variant (Variation ID: 643921). An algorithm developed to predict the effect of missense changes on protein structure and function outputs the following: PolyPhen-2: "Benign". The isoleucine amino acid residue is found in multiple mammalian species, which suggests that this missense change does not adversely affect protein function. In summary, the available evidence is currently insufficient to determine the role of this variant in disease. Therefore, it has been classified as a Variant of Uncertain Significance.

NM_001211.6(BUB1B):c.1973C>T (p.Thr658Ile)

Gene: BUB1B (BUB1 mitotic checkpoint serine/threonine kinase B; plus strand). Cytogenetic location: 15q15.1.
Variant type: single nucleotide variant.
Coding change: c.1973C>T on transcript NM_001211.6 (MANE Select); coding-DNA position 1973, C replaced by T.
Protein change: p.Thr658Ile; replaces threonine 658 with isoleucine.
Molecular consequence: missense variant.
Genome position (GRCh38, 1-based): chr15:40,206,422, C>T. VCF-style: chr15-40206422-C-T. GRCh37 (hg19) VCF-style: chr15-40498623-C-T.
Other names: short protein forms T658I.
Identifiers: ClinVar variation 643921 (VCV000643921.11), dbSNP rs373789523, ClinGen allele CA7475908.